The following is an entry in ClinVar:

ClinVar aggregate classification (germline): Likely benign (1 of 4 stars; one submission).

Allele frequency attached by ClinVar (database versions not stated): TOPMed 0.00001; gnomAD 0.00002; gnomAD exomes 0.00002; ExAC 0.00003; ESP Exome Variant Server 0.00008.
gnomAD v4.1: 34 of 1,613,188 alleles (0.0021%); highest among the groups gnomAD compares: East Asian, 0.013%; no homozygotes.

Submission:

CeGaT Center for Human Genetics Tuebingen
Classification: Likely benign. Last evaluated: 2023-08-01. Review status: criteria provided, single submitter. Criteria: CeGaT Center For Human Genetics Tuebingen Variant Classification Criteria Version 2. Collection method: clinical testing. Allele origin: germline. Affected: yes. Observed: 1 variant allele.
Comment: NTNG2: BP4, BP7

NM_032536.4(NTNG2):c.471C>T (p.Asn157=)

Gene: NTNG2 (netrin G2; plus strand). Cytogenetic location: 9q34.13.
Variant type: single nucleotide variant.
Coding change: c.471C>T on transcript NM_032536.4 (MANE Select); coding-DNA position 471, C replaced by T.
Protein change: p.Asn157=; no amino-acid change (asparagine 157 retained).
Molecular consequence: synonymous variant.
Genome position (GRCh38, 1-based): chr9:132,198,223, C>T. VCF-style: chr9-132198223-C-T. GRCh37 (hg19) VCF-style: chr9-135073610-C-T.
Identifiers: ClinVar variation 2659642 (VCV002659642.24), dbSNP rs370506631, ClinGen allele CA5295929.